The following is an entry in ClinVar:

NM_002439.5(MSH3):c.382A>G (p.Arg128Gly)

Gene: MSH3 (mutS homolog 3; plus strand). Cytogenetic location: 5q14.1.
Variant type: single nucleotide variant.
Coding change: c.382A>G on transcript NM_002439.5 (MANE Select); coding-DNA position 382, A replaced by G.
Protein change: p.Arg128Gly; replaces arginine 128 with glycine.
Molecular consequence: missense variant.
Genome position (GRCh38, 1-based): chr5:80,665,166, A>G. VCF-style: chr5-80665166-A-G. GRCh37 (hg19) VCF-style: chr5-79960985-A-G.
Other names: short protein forms R128G.
Identifiers: ClinVar variation 937566 (VCV000937566.14), dbSNP rs1749540617, ClinGen allele CA360263020.

ClinVar aggregate classification (germline): Uncertain significance. Review status: criteria provided, multiple submitters, no conflicts (2 of 4 stars). 2 submissions from 2 submitters: Uncertain significance (2). Last evaluated 2025-10-30.

Conditions:
Hereditary cancer-predisposing syndrome. Also called: Tumor predisposition; Hereditary neoplastic syndrome; Hereditary Cancer Syndrome; Neoplastic Syndromes, Hereditary. Identifiers: Orphanet 140162, MedGen C0027672, MeSH D009386, MONDO:0015356.

Allele frequency attached by ClinVar (database versions not stated): TOPMed below 0.00001.

Submissions (2):

Ambry Genetics
Classification: Uncertain significance for Hereditary cancer-predisposing syndrome. Last evaluated: 2025-10-30. Review status: criteria provided, single submitter. Criteria: Ambry Variant Classification Scheme 2023. Collection method: clinical testing. Allele origin: germline.
Comment: The p.R128G variant (also known as c.382A>G), located in coding exon 3 of the MSH3 gene, results from an A to G substitution at nucleotide position 382. The arginine at codon 128 is replaced by glycine, an amino acid with dissimilar properties. This amino acid position is conserved. In addition, this alteration is predicted to be tolerated by in silico analysis. Since supporting evidence is limited at this time, the clinical significance of this alteration remains unclear.

Labcorp Genetics (formerly Invitae), Labcorp
Classification: Uncertain significance. Last evaluated: 2025-01-23. Review status: criteria provided, single submitter. Criteria: Invitae Variant Classification Sherloc (09022015). Collection method: clinical testing. Allele origin: germline.
Comment: This sequence change replaces arginine, which is basic and polar, with glycine, which is neutral and non-polar, at codon 128 of the MSH3 protein (p.Arg128Gly). This variant is not present in population databases (gnomAD no frequency). This variant has not been reported in the literature in individuals affected with MSH3-related conditions. ClinVar contains an entry for this variant (Variation ID: 937566). An algorithm developed to predict the effect of missense changes on protein structure and function outputs the following: PolyPhen-2: "Benign". The glycine amino acid residue is found in multiple mammalian species, which suggests that this missense change does not adversely affect protein function. In summary, the available evidence is currently insufficient to determine the role of this variant in disease. Therefore, it has been classified as a Variant of Uncertain Significance.